The following is an entry in ClinVar:

NM_002609.4(PDGFRB):c.3263dup (p.Leu1089fs)

Gene: PDGFRB (platelet derived growth factor receptor beta; minus strand). Cytogenetic location: 5q32.
Variant type: Duplication.
Coding change: c.3263dup on transcript NM_002609.4 (MANE Select); coding-DNA position 3263, one base duplicated (A; older notation c.3263dupA).
Protein change: p.Leu1089fs; shifts the reading frame from leucine 1089.
Molecular consequence: frameshift variant.
Genome position (GRCh38, 1-based): chr5:150,115,821, T duplicated on the plus strand (A on the coding strand, the reverse complement: PDGFRB is on the minus strand). VCF-style (leftmost placement, unchanged base first): chr5-150115820-C-CT. GRCh37 (hg19) VCF-style: chr5-149495383-C-CT.
Other names: c.3071dup, p.Leu1025fs (NM_001355016.2); c.2780dup, p.Leu928fs (NM_001355017.2); short protein forms L1089fs, L928fs, L1025fs.
Identifiers: ClinVar variation 2265559 (VCV002265559.2), dbSNP rs2481166833, ClinGen allele CA2580073859.
Genomic context (GRCh38, chr5:150,115,820, plus strand): 5'-CCCCTACAGGAAGCTATCCTCTGCTTCCGCCCGAGGCGCAGGGCACCCCGAATCCGGCAA[C>CT]TGTTCCAGCTCTGGCTCCGGCTCCACCTGGAGCTCAAGCTGGGGCTCTGGCTCTGGTTCG-3'

ClinVar aggregate classification (germline): Uncertain significance (1 of 4 stars; one submission).

Conditions:
Inborn genetic diseases. Identifiers: MedGen C0950123, MeSH D030342.

Submission:

Ambry Genetics
Classification: Uncertain significance for Inborn genetic diseases. Last evaluated: 2022-01-16. Review status: criteria provided, single submitter. Criteria: Ambry Variant Classification Scheme 2023. Collection method: clinical testing. Allele origin: germline.
Comment: Loss of function has not been clearly established as a mechanism of disease Based on insufficient or conflicting evidence, the clinical significance of this alteration remains unclear.